The following is an entry in ClinVar:

ClinVar aggregate classification (germline): Likely pathogenic (1 of 4 stars; one submission).

Conditions:
Joubert syndrome 18 (JBTS18). Identifiers: Orphanet 2754, MedGen C3553758, MONDO:0013896, OMIM 614815.
Orofacial-digital syndrome IV (OFD4). Also called: BARAITSER-BURN SYNDROME; OFD SYNDROME WITH TIBIAL DEFECTS; OFD SYNDROME, BARAITSER-BURN TYPE; OFDS IV; ORAL-FACIAL-DIGITAL SYNDROME, TYPE IV; Orofaciodigital syndrome IV. Identifiers: Orphanet 2753, MedGen C0406727, MONDO:0009794, OMIM 258860.

Submission:

Labcorp Genetics (formerly Invitae), Labcorp
Classification: Likely pathogenic for Joubert syndrome 18; Orofacial-digital syndrome IV. Last evaluated: 2024-08-28. Review status: criteria provided, single submitter. Criteria: Invitae Variant Classification Sherloc (09022015). Collection method: clinical testing. Allele origin: germline.
Comment: This sequence change affects an acceptor splice site in intron 5 of the TCTN3 gene. It is expected to disrupt RNA splicing. Variants that disrupt the donor or acceptor splice site typically lead to a loss of protein function (PMID: 16199547), and loss-of-function variants in TCTN3 are known to be pathogenic (PMID: 2692869, 22883145, 25118024). This variant is not present in population databases (gnomAD no frequency). This variant has not been reported in the literature in individuals affected with TCTN3-related conditions. Algorithms developed to predict the effect of sequence changes on RNA splicing suggest that this variant may disrupt the consensus splice site. In summary, the currently available evidence indicates that the variant is pathogenic, but additional data are needed to prove that conclusively. Therefore, this variant has been classified as Likely Pathogenic.

Literature cited by the submitters: PubMed 16199547; PubMed 2692869; PubMed 22883145; PubMed 25118024.

NM_015631.6(TCTN3):c.737-1G>C

Gene: TCTN3 (tectonic family member 3; minus strand). Cytogenetic location: 10q24.1.
Variant type: single nucleotide variant.
Coding change: c.737-1G>C on transcript NM_015631.6 (MANE Select); the canonical splice acceptor site of the intron before coding-DNA position 737, G replaced by C.
Molecular consequence: splice acceptor variant.
Genome position (GRCh38, 1-based): chr10:95,687,160, C>G on the plus strand (G>C on the coding strand, the complement: TCTN3 is on the minus strand). VCF-style: chr10-95687160-C-G. GRCh37 (hg19) VCF-style: chr10-97446917-C-G.
Other names: c.500-1G>C (NM_001143973.2); c.737-1G>C (NM_001410982.1).
Identifiers: ClinVar variation 2941117 (VCV002941117.3), dbSNP rs2492761440, ClinGen allele CA377707454.